The following is an entry in ClinVar:

NM_001283009.2(RTEL1):c.2923G>C (p.Gly975Arg)

Genes: RTEL1 (regulator of telomere elongation helicase 1; plus strand), RTEL1-TNFRSF6B (RTEL1-TNFRSF6B readthrough (NMD candidate); plus strand). Cytogenetic location: 20q13.33.
Variant type: single nucleotide variant.
Coding change: c.2923G>C on transcript NM_001283009.2 (MANE Select); coding-DNA position 2923, G replaced by C.
Protein change: p.Gly975Arg; replaces glycine 975 with arginine.
Molecular consequence: missense variant. On other transcripts: non-coding transcript variant (1).
Genome position (GRCh38, 1-based): chr20:63,693,214, G>C. VCF-style: chr20-63693214-G-C. GRCh37 (hg19) VCF-style: chr20-62324567-G-C.
Other names: c.2254G>C, p.Gly752Arg (NM_001283010.1); c.2923G>C, p.Gly975Arg (NM_016434.4); c.2995G>C, p.Gly999Arg (NM_032957.5); short protein forms G752R, G999R, G975R.
Identifiers: ClinVar variation 1388767 (VCV001388767.8), dbSNP rs754293748, ClinGen allele CA9965658.

ClinVar aggregate classification (germline): Uncertain significance. Review status: criteria provided, multiple submitters, no conflicts (2 of 4 stars). 2 submissions from 2 submitters: Uncertain significance (2). Last evaluated 2025-01-26.

Conditions:
Dyskeratosis congenita, autosomal recessive 5 (DKCB5). Identifiers: MedGen C3554656, MONDO:0014076, OMIM 615190.
Pulmonary fibrosis and/or bone marrow failure, Telomere-related, 3. Also called: PULMONARY FIBROSIS AND/OR BONE MARROW FAILURE SYNDROME, TELOMERE-RELATED, 3. Identifiers: Orphanet 2032, MedGen C4225346, MONDO:0014613, OMIM 616373.
Inborn genetic diseases. Identifiers: MedGen C0950123, MeSH D030342.

Allele frequency attached by ClinVar (database versions not stated): gnomAD exomes below 0.00001 and 0.00001; ExAC 0.00001; gnomAD 0.00001; TOPMed 0.00003.
gnomAD v4.1: 10 of 1,612,026 alleles (0.00062%); highest among the groups gnomAD compares: African/African-American, 0.0013%; no homozygotes.

Submissions (2):

Ambry Genetics
Classification: Uncertain significance for Inborn genetic diseases. Last evaluated: 2025-01-26. Review status: criteria provided, single submitter. Criteria: Ambry Variant Classification Scheme 2023. Collection method: clinical testing. Allele origin: germline.
Comment: The p.G975R variant (also known as c.2923G>C), located in coding exon 29 of the RTEL1 gene, results from a G to C substitution at nucleotide position 2923. The glycine at codon 975 is replaced by arginine, an amino acid with dissimilar properties. This amino acid position is conserved. In addition, this alteration is predicted to be tolerated by in silico analysis. Based on the available evidence, the clinical significance of this variant remains unclear.

Labcorp Genetics (formerly Invitae), Labcorp
Classification: Uncertain significance for Dyskeratosis congenita, autosomal recessive 5; Pulmonary fibrosis and/or bone marrow failure, Telomere-related, 3. Last evaluated: 2024-11-18. Review status: criteria provided, single submitter. Criteria: Invitae Variant Classification Sherloc (09022015). Collection method: clinical testing. Allele origin: germline.
Comment: This sequence change replaces glycine, which is neutral and non-polar, with arginine, which is basic and polar, at codon 975 of the RTEL1 protein (p.Gly975Arg). This variant is present in population databases (rs754293748, gnomAD 0.0009%). This variant has not been reported in the literature in individuals affected with RTEL1-related conditions. ClinVar contains an entry for this variant (Variation ID: 1388767). An algorithm developed to predict the effect of missense changes on protein structure and function outputs the following: PolyPhen-2: "Possibly Damaging". The arginine amino acid residue is found in multiple mammalian species, which suggests that this missense change does not adversely affect protein function. In summary, the available evidence is currently insufficient to determine the role of this variant in disease. Therefore, it has been classified as a Variant of Uncertain Significance.